The following is an entry in ClinVar:

NM_001365951.3(KIF1B):c.4856C>T (p.Pro1619Leu)

Gene: KIF1B (kinesin family member 1B; plus strand). Cytogenetic location: 1p36.22.
Variant type: single nucleotide variant.
Coding change: c.4856C>T on transcript NM_001365951.3 (MANE Select); coding-DNA position 4856, C replaced by T.
Protein change: p.Pro1619Leu; replaces proline 1619 with leucine.
Molecular consequence: missense variant.
Genome position (GRCh38, 1-based): chr1:10,371,172, C>T. VCF-style: chr1-10371172-C-T. GRCh37 (hg19) VCF-style: chr1-10431230-C-T.
Other names: c.4856C>T, p.Pro1619Leu (NM_001365952.1); c.4718C>T, p.Pro1573Leu (NM_015074.3); short protein forms P1573L, P1619L.
Identifiers: ClinVar variation 3864125 (VCV003864125.1).
Genomic context (GRCh38, chr1:10,371,172, plus strand): 5'-GTAACTTGTAGTGTTCGGTTTGCTTCCAGTTGTCTGATATCTCTCCAATTGGACGGGATC[C>T]CTCTGAGTCCAGTTTCAGCAGTGCCACCCTCACTCCCTCCTCCACCTGTCCCTCTCTGGT-3'
Protein context (NP_001352880.1, residues 1609-1629): LSDISPIGRD[Pro1619Leu]SESSFSSATL

ClinVar aggregate classification (germline): Uncertain significance (1 of 4 stars; one submission).

Submission:

Ambry Genetics
Classification: Uncertain significance. Last evaluated: 2025-03-10. Review status: criteria provided, single submitter. Criteria: Ambry Variant Classification Scheme 2023. Collection method: clinical testing. Allele origin: germline.
Comment: The p.P1573L variant (also known as c.4718C>T), located in coding exon 42 of the KIF1B gene, results from a C to T substitution at nucleotide position 4718. The proline at codon 1573 is replaced by leucine, an amino acid with similar properties. This amino acid position is conserved. In addition, this alteration is predicted to be tolerated by in silico analysis. Based on the available evidence, the clinical significance of this variant remains unclear.